The following is an entry in ClinVar:

ClinVar aggregate classification (germline): Pathogenic (1 of 4 stars; one submission).

Conditions:
Hematuria. Identifiers: MedGen C0018965, HP:0000790.

Submission:

Genetics Laboratory, Great Ormond Street Hospital NHS Foundation Trust, North Thames Genomic Laboratory Hub
Classification: Pathogenic for Haematuria. Last evaluated: 2025-09-08. Review status: criteria provided, single submitter. Criteria: ACGS Best Practice Guidelines for Variant Classification in Rare Disease 2024 v1.2. Collection method: clinical testing. Allele origin: germline. Affected: yes.
Comment: PM2_moderate, PVS1_very-strong

NM_000092.5(COL4A4):c.2860+1G>A

Gene: COL4A4 (collagen type IV alpha 4 chain; minus strand). Cytogenetic location: 2q36.3.
Variant type: single nucleotide variant.
Coding change: c.2860+1G>A on transcript NM_000092.5 (MANE Select); the canonical splice donor site of the intron after coding-DNA position 2860, G replaced by A.
Molecular consequence: splice donor variant.
Genome position (GRCh38, 1-based): chr2:227,054,593, C>T on the plus strand (G>A on the coding strand, the complement: COL4A4 is on the minus strand). VCF-style: chr2-227054593-C-T. GRCh37 (hg19) VCF-style: chr2-227919309-C-T.
Identifiers: ClinVar variation 4526885 (VCV004526885.1).